The following is an entry in ClinVar:

NM_001283009.2(RTEL1):c.2297C>A (p.Pro766His)

Genes: RTEL1 (regulator of telomere elongation helicase 1; plus strand), RTEL1-TNFRSF6B (RTEL1-TNFRSF6B readthrough (NMD candidate); plus strand). Cytogenetic location: 20q13.33.
Variant type: single nucleotide variant.
Coding change: c.2297C>A on transcript NM_001283009.2 (MANE Select); coding-DNA position 2297, C replaced by A.
Protein change: p.Pro766His; replaces proline 766 with histidine.
Molecular consequence: missense variant. On other transcripts: non-coding transcript variant (1).
Genome position (GRCh38, 1-based): chr20:63,690,325, C>A. VCF-style: chr20-63690325-C-A. GRCh37 (hg19) VCF-style: chr20-62321678-C-A.
Other names: c.1628C>A, p.Pro543His (NM_001283010.1); c.2297C>A, p.Pro766His (NM_016434.4); c.2369C>A, p.Pro790His (NM_032957.5); short protein forms P543H, P766H, P790H.
Identifiers: ClinVar variation 999941 (VCV000999941.8), dbSNP rs2090705111, ClinGen allele CA409680844.
Genomic context (GRCh38, chr20:63,690,325, plus strand): 5'-TGGGTCCACCCACCCCCATGGTTCTGCAGATGCCAGCGCCGGCCCCCCGGGCTACAGCAC[C>A]CAGTGTGCGTGGAGAAGATGCTGTCAGCGAGGCCAAGTCGCCTGGCCCCTTCTTCTCCAC-3'
Protein context (NP_001269938.1, residues 756-776): MPAPAPRATA[Pro766His]SVRGEDAVSE

ClinVar aggregate classification (germline): Uncertain significance. Review status: criteria provided, multiple submitters, no conflicts (2 of 4 stars). 2 submissions from 2 submitters: Uncertain significance (2). Last evaluated 2025-05-27.

Conditions:
Dyskeratosis congenita, autosomal recessive 5 (DKCB5). Identifiers: MedGen C3554656, MONDO:0014076, OMIM 615190.
Pulmonary fibrosis and/or bone marrow failure, Telomere-related, 3. Also called: PULMONARY FIBROSIS AND/OR BONE MARROW FAILURE SYNDROME, TELOMERE-RELATED, 3. Identifiers: Orphanet 2032, MedGen C4225346, MONDO:0014613, OMIM 616373.
Inborn genetic diseases. Identifiers: MedGen C0950123, MeSH D030342.

Allele frequency attached by ClinVar (database versions not stated): gnomAD 0.00001.
gnomAD v4.1: 3 of 1,610,242 alleles (0.00019%); highest among the groups gnomAD compares: Admixed American, 0.0017%; no homozygotes.

Submissions (2):

Ambry Genetics
Classification: Uncertain significance for Inborn genetic diseases. Last evaluated: 2025-05-27. Review status: criteria provided, single submitter. Criteria: Ambry Variant Classification Scheme 2023. Collection method: clinical testing. Allele origin: germline.
Comment: The p.P766H variant (also known as c.2297C>A), located in coding exon 25 of the RTEL1 gene, results from a C to A substitution at nucleotide position 2297. The proline at codon 766 is replaced by histidine, an amino acid with similar properties. This amino acid position is conserved. In addition, this alteration is predicted to be tolerated by in silico analysis. Based on the available evidence, the clinical significance of this variant remains unclear.

Labcorp Genetics (formerly Invitae), Labcorp
Classification: Uncertain significance for Dyskeratosis congenita, autosomal recessive 5; Pulmonary fibrosis and/or bone marrow failure, Telomere-related, 3. Last evaluated: 2024-01-01. Review status: criteria provided, single submitter. Criteria: Invitae Variant Classification Sherloc (09022015). Collection method: clinical testing. Allele origin: germline.
Comment: This sequence change replaces proline, which is neutral and non-polar, with histidine, which is basic and polar, at codon 766 of the RTEL1 protein (p.Pro766His). This variant is not present in population databases (gnomAD no frequency). This variant has not been reported in the literature in individuals affected with RTEL1-related conditions. ClinVar contains an entry for this variant (Variation ID: 999941). An algorithm developed to predict the effect of missense changes on protein structure and function (PolyPhen-2) suggests that this variant¬†is likely to be tolerated. In summary, the available evidence is currently insufficient to determine the role of this variant in disease. Therefore, it has been classified as a Variant of Uncertain Significance.